The following is an entry in ClinVar:

ClinVar aggregate classification (germline): Uncertain significance. Review status: criteria provided, multiple submitters, no conflicts (2 of 4 stars). 2 submissions from 2 submitters: Uncertain significance (2). Last evaluated 2025-04-01.

Allele frequency attached by ClinVar (database versions not stated): gnomAD exomes below 0.00001.
gnomAD v4.1: 1 of 1,614,114 alleles (0.000062%); highest among the groups gnomAD compares: South Asian, 0.0011%; no homozygotes.

Submissions (2):

Ambry Genetics
Classification: Uncertain significance. Last evaluated: 2025-04-01. Review status: criteria provided, single submitter. Criteria: Ambry Variant Classification Scheme 2023. Collection method: clinical testing. Allele origin: germline.

Labcorp Genetics (formerly Invitae), Labcorp
Classification: Uncertain significance. Last evaluated: 2022-07-27. Review status: criteria provided, single submitter. Criteria: Invitae Variant Classification Sherloc (09022015). Collection method: clinical testing. Allele origin: germline.
Comment: In summary, the available evidence is currently insufficient to determine the role of this variant in disease. Therefore, it has been classified as a Variant of Uncertain Significance. Algorithms developed to predict the effect of missense changes on protein structure and function (SIFT, PolyPhen-2, Align-GVGD) all suggest that this variant is likely to be tolerated. This variant has not been reported in the literature in individuals affected with CLUAP1-related conditions. This variant is not present in population databases (gnomAD no frequency). This sequence change replaces methionine, which is neutral and non-polar, with threonine, which is neutral and polar, at codon 374 of the CLUAP1 protein (p.Met374Thr).

NM_015041.3(CLUAP1):c.1121T>C (p.Met374Thr)

Gene: CLUAP1 (clusterin associated protein 1; plus strand). Cytogenetic location: 16p13.3.
Variant type: single nucleotide variant.
Coding change: c.1121T>C on transcript NM_015041.3 (MANE Select); coding-DNA position 1121, T replaced by C.
Protein change: p.Met374Thr; replaces methionine 374 with threonine.
Molecular consequence: missense variant.
Genome position (GRCh38, 1-based): chr16:3,536,150, T>C. VCF-style: chr16-3536150-T-C. GRCh37 (hg19) VCF-style: chr16-3586150-T-C.
Other names: c.1178T>C, p.Met393Thr (NM_001330454.2); c.623T>C, p.Met208Thr (NM_024793.3); c.1121T>C (NM_015041.1); short protein forms M208T, M374T, M393T.
Identifiers: ClinVar variation 1713942 (VCV001713942.6), dbSNP rs2544023984, ClinGen allele CA394516451.